The following is an entry in ClinVar:

ClinVar aggregate classification (germline): Uncertain significance. Review status: criteria provided, multiple submitters, no conflicts (2 of 4 stars). 3 submissions from 3 submitters: Uncertain significance (3). Last evaluated 2024-10-14.

Conditions:
Bardet-Biedl syndrome 8 (BBS8). Identifiers: Orphanet 110, MedGen C1859566, MONDO:0014436, OMIM 615985.
Retinitis pigmentosa 51 (RP51). Identifiers: Orphanet 791, MedGen C3150715, MONDO:0013274, OMIM 613464.
TTC8-related disorder. Also called: TTC8-related condition.
Bardet-Biedl syndrome (BBS). Identifiers: Orphanet 110, MedGen C0752166, MONDO:0015229.

Allele frequency attached by ClinVar (database versions not stated): gnomAD exomes below 0.00001 and 0.00001; ExAC 0.00001; TOPMed 0.00003; gnomAD 0.00005 and 0.00006; ESP Exome Variant Server 0.00015.
gnomAD v4.1: 13 of 1,613,826 alleles (0.00081%); highest among the groups gnomAD compares: African/African-American, 0.017%; no homozygotes.

Submissions (3):

PreventionGenetics, part of Exact Sciences
Classification: Uncertain significance for TTC8-related condition. Last evaluated: 2024-10-14. Review status: criteria provided, single submitter. Criteria: ACMG Guidelines, 2015. Collection method: clinical testing. Allele origin: germline.
Comment: The TTC8 c.913A>G variant is predicted to result in the amino acid substitution p.Met305Val. To our knowledge, this variant has not been reported in the literature. This variant is reported in 0.012% of alleles in individuals of African descent in gnomAD. At this time, the clinical significance of this variant is uncertain due to the absence of conclusive functional and genetic evidence.

Fulgent Genetics
Classification: Uncertain significance for Retinitis pigmentosa 51; Bardet-Biedl syndrome 8. Last evaluated: 2021-12-01. Review status: criteria provided, single submitter. Criteria: ACMG Guidelines, 2015. Collection method: clinical testing. Allele origin: unknown.

Labcorp Genetics (formerly Invitae), Labcorp
Classification: Uncertain significance for Bardet-Biedl syndrome. Last evaluated: 2021-11-20. Review status: criteria provided, single submitter. Criteria: Invitae Variant Classification Sherloc (09022015). Collection method: clinical testing. Allele origin: germline.
Comment: This sequence change replaces methionine, which is neutral and non-polar, with valine, which is neutral and non-polar, at codon 295 of the TTC8 protein (p.Met295Val). This variant is present in population databases (rs143237548, gnomAD 0.008%). This variant has not been reported in the literature in individuals affected with TTC8-related conditions. Algorithms developed to predict the effect of missense changes on protein structure and function are either unavailable or do not agree on the potential impact of this missense change (SIFT: "Deleterious"; PolyPhen-2: "Benign"; Align-GVGD: "Class C0"). In summary, the available evidence is currently insufficient to determine the role of this variant in disease. Therefore, it has been classified as a Variant of Uncertain Significance.

NM_144596.4(TTC8):c.913A>G (p.Met305Val)

Gene: TTC8 (tetratricopeptide repeat domain 8; plus strand). Cytogenetic location: 14q31.3.
Variant type: single nucleotide variant.
Coding change: c.913A>G on transcript NM_144596.4 (MANE Select); coding-DNA position 913, A replaced by G.
Protein change: p.Met305Val; replaces methionine 305 with valine.
Molecular consequence: missense variant. On other transcripts: non-coding transcript variant (1).
Genome position (GRCh38, 1-based): chr14:88,870,062, A>G. VCF-style: chr14-88870062-A-G. GRCh37 (hg19) VCF-style: chr14-89336406-A-G.
Other names: c.961A>G, p.Met321Val (NM_001288781.1); c.319A>G, p.Met107Val (NM_001288782.1); c.196A>G, p.Met66Val (NM_001288783.1); c.883A>G, p.Met295Val (NM_001366535.2, NM_198309.3); c.793A>G, p.Met265Val (NM_001366536.2, NM_198310.3); c.913A>G (NM_144596.3); short protein forms M265V, M107V, M305V, M321V, M66V, M295V.
Identifiers: ClinVar variation 1415185 (VCV001415185.5), dbSNP rs143237548, ClinGen allele CA7302637.